The following is an entry in ClinVar:

ClinVar aggregate classification (germline): Conflicting classifications of pathogenicity. Review status: criteria provided, conflicting classifications (1 of 4 stars). 6 submissions from 6 submitters: Uncertain significance (2); Benign (1); Likely benign (2). 1 of the submissions does not count toward it. Last evaluated 2026-01-12.

Conditions:
GPR179-related disorder. Also called: GPR179-related condition.
Congenital stationary night blindness 1E. Also called: Night blindness, congenital stationary (complete), 1E, autosomal recessive. Identifiers: Orphanet 215, MedGen C3281215, MONDO:0013807, OMIM 614565.

Allele frequency attached by ClinVar (database versions not stated): gnomAD 0.00063; TOPMed 0.00071; ESP Exome Variant Server 0.00075; ExAC 0.00103; gnomAD exomes 0.00113.
gnomAD v4.1: 950 of 1,607,552 alleles (0.059%); highest among the groups gnomAD compares: Middle Eastern, 0.6%; 5 homozygotes.

Submissions (6):

Labcorp Genetics (formerly Invitae), Labcorp
Classification: Benign. Last evaluated: 2026-01-12. Review status: criteria provided, single submitter. Criteria: Invitae Variant Classification Sherloc (09022015). Collection method: clinical testing. Allele origin: germline.

CeGaT Center for Human Genetics Tuebingen
Classification: Likely benign. Last evaluated: 2024-12-01. Review status: criteria provided, single submitter. Criteria: CeGaT Center For Human Genetics Tuebingen Variant Classification Criteria Version 2. Collection method: clinical testing. Allele origin: germline. Affected: yes. Observed: 1 variant allele.
Comment: GPR179: BP4, BS1

Blueprint Genetics
Classification: Likely benign. Last evaluated: 2024-10-11. Review status: criteria provided, single submitter. Criteria: ACMG Guidelines, 2015. Collection method: clinical testing. Allele origin: germline.

Illumina Laboratory Services, Illumina
Classification: Uncertain significance for Congenital stationary night blindness 1E. Last evaluated: 2018-01-13. Review status: criteria provided, single submitter. Criteria: ICSL Variant Classification Criteria 13 December 2019. Collection method: clinical testing. Allele origin: germline.

Eurofins Ntd Llc (ga)
Classification: Uncertain significance. Last evaluated: 2014-11-10. Review status: criteria provided, single submitter. Criteria: EGL Classification Definitions 2015. Collection method: clinical testing. Allele origin: germline. Observed: 1 variant allele, 1 heterozygote.

PreventionGenetics, part of Exact Sciences
Classification: Likely benign for GPR179-related condition. Last evaluated: 2020-02-14. Review status: no assertion criteria provided. Collection method: clinical testing. Allele origin: germline. Not counted in ClinVar's aggregate classification.
Comment: This variant is classified as likely benign based on ACMG/AMP sequence variant interpretation guidelines (Richards et al. 2015 PMID: 25741868, with internal and published modifications).

Literature cited by the submitters: PubMed 22325361 (cited by Eurofins Ntd Llc (ga)).

NM_001004334.4(GPR179):c.2410C>T (p.Arg804Trp)

Gene: GPR179 (G protein-coupled receptor 179; minus strand). Cytogenetic location: 17q12.
Variant type: single nucleotide variant.
Coding change: c.2410C>T on transcript NM_001004334.4 (MANE Select); coding-DNA position 2410, C replaced by T.
Protein change: p.Arg804Trp; replaces arginine 804 with tryptophan.
Molecular consequence: missense variant.
Genome position (GRCh38, 1-based): chr17:38,331,159, G>A on the plus strand (C>T on the coding strand, the complement: GPR179 is on the minus strand). VCF-style: chr17-38331159-G-A. GRCh37 (hg19) VCF-style: chr17-36487042-G-A.
Other names: c.2410C>T (NM_001004334.3); short protein forms R804W.
Identifiers: ClinVar variation 193825 (VCV000193825.35), dbSNP rs201086495, ClinGen allele CA239493.